The following is an entry in ClinVar:

NM_177438.3(DICER1):c.1890C>T (p.Ala630=)

Gene: DICER1 (dicer 1, ribonuclease III; minus strand). Cytogenetic location: 14q32.13.
Variant type: single nucleotide variant.
Coding change: c.1890C>T on transcript NM_177438.3 (MANE Select); coding-DNA position 1890, C replaced by T.
Protein change: p.Ala630=; no amino-acid change (alanine 630 retained).
Molecular consequence: synonymous variant.
Genome position (GRCh38, 1-based): chr14:95,115,684, G>A on the plus strand (C>T on the coding strand, the complement: DICER1 is on the minus strand). VCF-style: chr14-95115684-G-A. GRCh37 (hg19) VCF-style: chr14-95582021-G-A.
Other names: c.1890C>T, p.Ala630= (NM_001195573.1, NM_001271282.3, NM_001291628.2 and 1 more transcripts).
Identifiers: ClinVar variation 543690 (VCV000543690.19), dbSNP rs1170276996, ClinGen allele CA487631034.

ClinVar aggregate classification (germline): Benign/Likely benign. Review status: criteria provided, multiple submitters, no conflicts (2 of 4 stars). 4 submissions from 4 submitters: Benign (1); Likely benign (2). 1 of the submissions does not count toward it. Last evaluated 2026-04-16.

Conditions:
DICER1-related disorder. Also called: DICER1-related condition.
Hereditary cancer-predisposing syndrome. Also called: Neoplastic Syndromes, Hereditary; Hereditary Cancer Syndrome; Hereditary neoplastic syndrome; Tumor predisposition. Identifiers: Orphanet 140162, MedGen C0027672, MeSH D009386, MONDO:0015356.
DICER1-related tumor predisposition. Also called: DICER1-related pleuropulmonary blastoma cancer predisposition syndrome; DICER1 syndrome. Identifiers: Orphanet 284343, MedGen C3839822, MONDO:0100216.

Allele frequency attached by ClinVar (database versions not stated): gnomAD exomes below 0.00001; TOPMed below 0.00001; gnomAD 0.00001.
gnomAD v4.1: 4 of 1,613,972 alleles (0.00025%); highest among the groups gnomAD compares: Non-Finnish European, 0.00025%; no homozygotes.

Submissions (4):

Myriad Genetics, Inc.
Classification: Benign for DICER1-related tumor predisposition. Last evaluated: 2026-04-16. Review status: criteria provided, single submitter. Criteria: Myriad Autosomal Dominant, Autosomal Recessive and X-Linked Classification Criteria (2023). Collection method: clinical testing. Allele origin: unknown.
Comment: This variant is considered benign. This variant is a silent/synonymous amino acid change and it is not expected to impact splicing.

Labcorp Genetics (formerly Invitae), Labcorp
Classification: Likely benign for DICER1-related tumor predisposition. Last evaluated: 2025-10-02. Review status: criteria provided, single submitter. Criteria: Invitae Variant Classification Sherloc (09022015). Collection method: clinical testing. Allele origin: germline.

Ambry Genetics
Classification: Likely benign for Hereditary cancer-predisposing syndrome. Last evaluated: 2019-09-25. Review status: criteria provided, single submitter. Criteria: Ambry Variant Classification Scheme 2023. Collection method: clinical testing. Allele origin: germline.

PreventionGenetics, part of Exact Sciences
Classification: Likely benign for DICER1-related condition. Last evaluated: 2024-03-12. Review status: no assertion criteria provided. Collection method: clinical testing. Allele origin: germline. Not counted in ClinVar's aggregate classification.
Comment: This variant is classified as likely benign based on ACMG/AMP sequence variant interpretation guidelines (Richards et al. 2015 PMID: 25741868, with internal and published modifications).